The following is an entry in ClinVar:

ClinVar aggregate classification (germline): Uncertain significance (1 of 4 stars; one submission).

Conditions:
Early-infantile DEE. Also called: Early infantile epileptic encephalopathy with suppression bursts; Early infantile epileptic encephalopathy; Ohtahara syndrome. Identifiers: Orphanet 1934, MedGen C0393706, MONDO:0800491.

Submission:

Labcorp Genetics (formerly Invitae), Labcorp
Classification: Uncertain significance for Early-infantile DEE. Last evaluated: 2022-05-20. Review status: criteria provided, single submitter. Criteria: Invitae Variant Classification Sherloc (09022015). Collection method: clinical testing. Allele origin: germline.
Comment: In summary, the available evidence is currently insufficient to determine the role of this variant in disease. Therefore, it has been classified as a Variant of Uncertain Significance. Advanced modeling of protein sequence and biophysical properties (such as structural, functional, and spatial information, amino acid conservation, physicochemical variation, residue mobility, and thermodynamic stability) performed at Invitae indicates that this missense variant is expected to disrupt SCN1A protein function. ClinVar contains an entry for this variant (Variation ID: 579072). This missense change has been observed in individual(s) with clinical features of SCN1A-related conditions (Invitae). This variant is not present in population databases (gnomAD no frequency). This sequence change replaces leucine, which is neutral and non-polar, with phenylalanine, which is neutral and non-polar, at codon 1315 of the SCN1A protein (p.Leu1315Phe).

NM_001165963.4(SCN1A):c.3943C>T (p.Leu1315Phe)

Genes: SCN1A (sodium voltage-gated channel alpha subunit 1; minus strand), LOC102724058 (uncharacterized LOC102724058; plus strand). Cytogenetic location: 2q24.3.
Variant type: single nucleotide variant.
Coding change: c.3943C>T on transcript NM_001165963.4 (MANE Select); coding-DNA position 3943, C replaced by T.
Protein change: p.Leu1315Phe; replaces leucine 1315 with phenylalanine.
Molecular consequence: missense variant. On other transcripts: non-coding transcript variant (1).
Genome position (GRCh38, 1-based): chr2:166,009,778, G>A on the plus strand (C>T on the coding strand, the complement: SCN1A is on the minus strand). VCF-style: chr2-166009778-G-A. GRCh37 (hg19) VCF-style: chr2-166866288-G-A.
Other names: c.3859C>T, p.Leu1287Phe (NM_001165964.3, NM_001353957.2, NM_001353958.2); c.3943C>T, p.Leu1315Phe (NM_001202435.3, NM_001353948.2); c.3910C>T, p.Leu1304Phe (NM_001353949.2, NM_001353950.2, NM_001353951.2 and 2 more transcripts); c.3907C>T, p.Leu1303Phe (NM_001353954.2, NM_001353955.2); c.3856C>T, p.Leu1286Phe (NM_001353960.2); c.1501C>T, p.Leu501Phe (NM_001353961.2); short protein forms L1315F, L1304F, L1287F, L501F, L1303F, L1286F.
Identifiers: ClinVar variation 579072 (VCV000579072.10), dbSNP rs1559140423, ClinGen allele CA349053156.